The following is an entry in ClinVar:

ClinVar aggregate classification (germline): Pathogenic/Likely pathogenic. Review status: criteria provided, multiple submitters, no conflicts (2 of 4 stars). 15 submissions from 15 submitters: Pathogenic (13); Likely pathogenic (1). 1 of the submissions does not count toward it. Last evaluated 2026-07-01.

Conditions:
Autosomal recessive TSPEAR-related disorders.
TSPEAR-related disorder. Also called: TSPEAR-related condition.
Ectodermal dysplasia 14, hair/tooth type with or without hypohidrosis. Identifiers: Orphanet 685067, MedGen C4748560, MONDO:0032584, OMIM 618180.
Inborn genetic diseases. Identifiers: MedGen C0950123, MeSH D030342.
TSPEAR-related disorder of tooth and hair follicle morphogenesis.
Ectodermal dysplasia. Also called: Ectodermal dysplasia syndrome. Identifiers: Orphanet 79373, MedGen C0013575, MONDO:0019287, HP:0000968.

Allele frequency attached by ClinVar (database versions not stated): TOPMed 0.00025; gnomAD 0.00026 and 0.00027; ESP Exome Variant Server 0.00031; gnomAD exomes 0.00032 and 0.00061; ExAC 0.00033.
gnomAD v4.1: 912 of 1,613,608 alleles (0.057%); highest among the groups gnomAD compares: Non-Finnish European, 0.073%; 1 homozygote.

Submissions (15):

Lupski Lab, Baylor-Hopkins CMG, Baylor College of Medicine
Classification: Pathogenic for Ectodermal dysplasia 14, hair/tooth type with or without hypohidrosis. Last evaluated: 2026-07-01. Review status: criteria provided, single submitter. Criteria: ACMG Guidelines, 2015. Collection method: research. Allele origin: maternal, paternal, germline. Inheritance: Autosomal recessive inheritance. Affected: yes and no. Observed: 3 variant alleles, 1 heterozygote, 2 compound heterozygotes. Clinical features observed: Hyperpigmentation of the skin (HP:0000953), Atopic eczema (HP:0001047), Sparse eyelashes (HP:0000653), Sparse eyebrow (HP:0045075), Sparse scalp hair (HP:0002209), Fine hair (HP:0002213), Sparse body hair (HP:0002231), Thin fingernail (HP:0012742), Tooth agenesis (HP:0009804), Hypodontia (HP:0000668), Abnormal dental morphology (HP:0006482), Irregular dentition (HP:0040079), and 3 more.
Comment: This c.589C>T variant is confirmed in trans with a p.Val164Met variant and has been detected in trans with a pathogenic variant in a number of other ClinVar submissions (PM3_Strong= +4pts). This is a null variant in a gene where loss of function is a known mechanism of disease (PVS1_Very Strong= +8pts). It is at extremely low frequency in gnomAD (PM2_Supporting= +1pt). 13 pts (PM3 +4, PVS1 +8, PM2 +1).

Institute of Medical Genetics and Applied Genomics, University Hospital Tübingen
Classification: Pathogenic for Ectodermal dysplasia 14, hair/tooth type with or without hypohidrosis. Last evaluated: 2026-02-27. Review status: criteria provided, single submitter. Criteria: ACMG Guidelines, 2015. Collection method: clinical testing. Allele origin: germline. Inheritance: Autosomal recessive inheritance. Affected: yes.

Genetics Laboratory, Great Ormond Street Hospital NHS Foundation Trust, North Thames Genomic Laboratory Hub
Classification: Pathogenic for Ectodermal dysplasia. Last evaluated: 2026-02-23. Review status: criteria provided, single submitter. Criteria: ACGS Best Practice Guidelines for Variant Classification in Rare Disease 2024 v1.2. Collection method: clinical testing. Allele origin: germline. Affected: yes.
Comment: PVS1_very-strong, PM3_moderate

Dasa
Classification: Pathogenic. Last evaluated: 2025-10-30. Review status: criteria provided, single submitter. Criteria: DASA Assertion Criteria. Collection method: clinical testing. Allele origin: germline.
Comment: NM_144991.3(TSPEAR):c.589C>T (p.Arg197*) introduces a premature termination codon predicted to result in loss of normal protein function. Loss-of-function is an established mechanism of disease for this gene. This variant has been observed in affected individuals with related phenotype in a genotype context consistent with recessive disease. The variant is present at low frequency in population datasets. Based on the available data, this variant is classified as pathogenic.

PreventionGenetics, part of Exact Sciences
Classification: Pathogenic for TSPEAR-related condition. Last evaluated: 2025-09-29. Review status: criteria provided, single submitter. Criteria: ACMG Guidelines, 2015. Collection method: clinical testing. Allele origin: germline.
Comment: The TSPEAR c.589C>T variant is predicted to result in premature protein termination (p.Arg197*). This variant, also reported as c.385C>T (p.Arg129*) using a different transcript (NM_001272037.1), has been reported in the homozygous and compound heterozygous states in individuals with TSPEAR-related disorders (Klee et al. 2021. PubMed ID: 33144682; Bowles et al. 2021. PubMed ID: 34042254; Jackson et al. 2023. PubMed ID: 37009414). This variant is reported in 0.059% of alleles in individuals of European (Non-Finnish) descent in gnomAD. Nonsense variants in TSPEAR are expected to be pathogenic. This variant is interpreted as pathogenic.

Variantyx, Inc.
Classification: Pathogenic for Autosomal recessive TSPEAR-related disorders. Last evaluated: 2025-09-27. Review status: criteria provided, single submitter. Criteria: Variantyx Assertion Criteria 2022. Collection method: clinical testing. Allele origin: germline. Inheritance: Autosomal recessive inheritance. Affected: no.
Comment: This is a nonsense variant in the TSPEAR gene (OMIM: 612920). Pathogenic variants in this gene have been associated with autosomal recessive TSPEAR-related disorders. This variant introduces a premature termination codon in exon 4 out of 12 and is expected to result in loss of function, which is a known disease mechanism for TSPEAR in this disorder (PMID: 34042254) (PVS1). This variant has been identified in the homozygous or compound heterozygous state in several individuals reported in the published literature affected with ectodermal dysplasia and tooth agenesis (PMID: 34042254, 39333051, 37009414) (PM3_Strong). It has a 0.0733% maximum allele frequency in non-founder control populations (PM2). Based on the current evidence, this variant is classified as pathogenic for autosomal recessive TSPEAR-related disorders.

GeneDx
Classification: Pathogenic. Last evaluated: 2025-07-21. Review status: criteria provided, single submitter. Criteria: GeneDx Variant Classification Process June 2021. Collection method: clinical testing. Allele origin: germline. Affected: yes.
Comment: Observed multiple times with another TSPEAR variant in unrelated patients in published literature with ectodermal dysplasia or oligodontia, but it is not known whether the variants occurred on the same (in cis) or on different (in trans) chromosomes in some cases (PMID: 34042254, 37009414); Nonsense variant predicted to result in protein truncation or nonsense mediated decay in a gene for which loss-of-function is a known mechanism of disease; This variant is associated with the following publications: (PMID: 27736875, 33144682, 34042254, 37009414)

Greenwood Genetic Center Diagnostic Laboratories, Greenwood Genetic Center
Classification: Pathogenic for TSPEAR-related disorder. Last evaluated: 2025-05-01. Review status: criteria provided, single submitter. Criteria: ACMG Guidelines, 2015. Collection method: clinical testing. Allele origin: germline. Affected: yes.
Comment: PVS1, PM3_Strong

Labcorp Genetics (formerly Invitae), Labcorp
Classification: Pathogenic. Last evaluated: 2025-01-21. Review status: criteria provided, single submitter. Criteria: Invitae Variant Classification Sherloc (09022015). Collection method: clinical testing. Allele origin: germline.
Comment: This sequence change creates a premature translational stop signal (p.Arg197*) in the TSPEAR gene. It is expected to result in an absent or disrupted protein product. Loss-of-function variants in TSPEAR are known to be pathogenic (PMID: 34042254). This variant is present in population databases (rs139455627, gnomAD 0.06%). This premature translational stop signal has been observed in individuals with clinical features of ectodermal dysplasia (PMID: 34042254; internal data). This variant is also known as c.385C>T, p.Arg129*. ClinVar contains an entry for this variant (Variation ID: 403572). For these reasons, this variant has been classified as Pathogenic.

Blueprint Genetics
Classification: Pathogenic for TSPEAR-related disorders. Last evaluated: 2024-08-06. Review status: criteria provided, single submitter. Criteria: ACMG Guidelines, 2015. Collection method: clinical testing. Allele origin: germline. Affected: yes. Observed: 5 variant alleles.

Pittsburgh Clinical Genomics Laboratory, University of Pittsburgh Medical Center
Classification: Pathogenic for Ectodermal dysplasia 14, hair/tooth type with or without hypohidrosis. Last evaluated: 2022-08-03. Review status: criteria provided, single submitter. Criteria: ACMG Guidelines, 2015. Collection method: clinical testing. Allele origin: germline. Inheritance: Autosomal recessive inheritance. Affected: yes.
Comment: This sequence variant is a single nucleotide substitution (C>T) at coding nucleotide 589 in the TSPEAR gene which changes the arginine 197 codon into an early termition sigl. As it occurs in exon 4 of 12, this variant is predicted to generate a non-functiol allele through the expression of a truncated protein or a loss of TSPEAR expression due to nonsense-mediated decay. This is a previously reported variant (ClinVar) which has been observed with a second variant in multiple individuals with ectodermal dysplasia with and without tooth agenesis (PMID: 34042254). This variant is present in 86 of 281928 alleles (0.03%) in the gnomAD control population dataset. Given the data, we consider this variant to be pathogenic. ACMG Criteria: PM3, PP4, PVS1

MGZ Medical Genetics Center
Classification: Pathogenic for Ectodermal dysplasia 14, hair/tooth type with or without hypohidrosis. Last evaluated: 2021-09-21. Review status: criteria provided, single submitter. Criteria: ACMG Guidelines, 2015. Collection method: clinical testing. Allele origin: germline. Affected: yes. Observed: 1 variant allele.
Comment: ACMG criteria applied: PVS1, PM3_STR, PS4_MOD, PM2_SUP

Ambry Genetics
Classification: Pathogenic for Inborn genetic diseases. Last evaluated: 2019-03-28. Review status: criteria provided, single submitter. Criteria: Ambry exome assertion method (8-5-2015). Collection method: clinical testing. Allele origin: germline. Affected: yes. Observed: 1 variant allele.

Undiagnosed Diseases Network, NIH
Classification: Likely pathogenic for TSPEAR-related disorder of tooth and hair follicle morphogenesis. Last evaluated: 2018-06-25. Review status: criteria provided, single submitter. Criteria: ACMG Guidelines, 2015. Collection method: clinical testing. Allele origin: maternal. Inheritance: Autosomal recessive inheritance. Affected: yes. Observed: 1 variant allele, 1 compound heterozygote. Study: Undiagnosed Diseases Network (NIH), UDN.

Laboratory for Molecular Medicine, Mass General Brigham Personalized Medicine
Classification: Uncertain significance. Last evaluated: 2016-04-25. Review status: flagged submission. Criteria: LMM Criteria. Collection method: clinical testing. Allele origin: germline. Not counted in ClinVar's aggregate classification.
Comment: Variant identified in a genome or exome case(s) and assessed due to predicted null impact of the variant or pathogenic assertions in the literature or databases. Disclaimer: This variant has not undergone full assessment. The following are preliminary notes: One frameshift variant in the gene has been reported in a consanguineous family with AR deafness (Delmaghani 2012). Variant segregated in 2 affected siblings. Variant disrupts protein function when transfected into cells in vitro. Limited evidence for gene's association with disease. Does not meet criteria for reporting in BabySeq.
ClinVar note: Reason: Older and outlier claim with insufficient supporting evidence

Literature cited by the submitters: PubMed 34042254 (cited by 3 submitters); PubMed 39333051 (cited by Variantyx, Inc.); PubMed 37009414 (cited by Variantyx, Inc.); PubMed 27736875 (cited by Undiagnosed Diseases Network, NIH).

NM_144991.3(TSPEAR):c.589C>T (p.Arg197Ter)

Gene: TSPEAR (thrombospondin type laminin G domain and EAR repeats; minus strand). Cytogenetic location: 21q22.3.
Variant type: single nucleotide variant.
Coding change: c.589C>T on transcript NM_144991.3 (MANE Select); coding-DNA position 589, C replaced by T.
Protein change: p.Arg197Ter; replaces arginine 197 with a stop codon.
Molecular consequence: nonsense.
Genome position (GRCh38, 1-based): chr21:44,531,087, G>A on the plus strand (C>T on the coding strand, the complement: TSPEAR is on the minus strand). VCF-style: chr21-44531087-G-A. GRCh37 (hg19) VCF-style: chr21-45950970-G-A.
Other names: c.385C>T, p.Arg129Ter (NM_001272037.2); short protein forms R197*, R129*.
Identifiers: ClinVar variation 403572 (VCV000403572.28), dbSNP rs139455627, ClinGen allele CA10056947.